The following is an entry in ClinVar:

NM_021978.4(ST14):c.2463C>T (p.Ala821=)

Gene: ST14 (ST14 transmembrane serine protease matriptase; plus strand). Cytogenetic location: 11q24.3.
Variant type: single nucleotide variant.
Coding change: c.2463C>T on transcript NM_021978.4 (MANE Select); coding-DNA position 2463, C replaced by T.
Protein change: p.Ala821=; no amino-acid change (alanine 821 retained).
Molecular consequence: synonymous variant.
Genome position (GRCh38, 1-based): chr11:130,209,718, C>T. VCF-style: chr11-130209718-C-T. GRCh37 (hg19) VCF-style: chr11-130079613-C-T.
Identifiers: ClinVar variation 737212 (VCV000737212.5), dbSNP rs141093713, ClinGen allele CA6364409.

ClinVar aggregate classification (germline): Likely benign. Review status: criteria provided, single submitter (1 of 4 stars). 2 submissions from 2 submitters: Likely benign (1). 1 of the submissions does not count toward it. Last evaluated 2018-01-09.

Conditions:
ST14-related disorder. Also called: ST14-related condition.

Allele frequency attached by ClinVar (database versions not stated): gnomAD 0.00006 and 0.00007; TOPMed 0.00009; ExAC 0.00011; gnomAD exomes 0.00012; ESP Exome Variant Server 0.00015; 1000 Genomes Project 30x 0.00016; 1000 Genomes Project 0.00020.
gnomAD v4.1: 164 of 1,613,924 alleles (0.01%); highest among the groups gnomAD compares: East Asian, 0.033%; no homozygotes.

Submissions (2):

Labcorp Genetics (formerly Invitae), Labcorp
Classification: Likely benign. Last evaluated: 2018-01-09. Review status: criteria provided, single submitter. Criteria: Invitae Variant Classification Sherloc (09022015). Collection method: clinical testing. Allele origin: germline.

PreventionGenetics, part of Exact Sciences
Classification: Likely benign for ST14-related condition. Last evaluated: 2019-07-15. Review status: no assertion criteria provided. Collection method: clinical testing. Allele origin: germline. Not counted in ClinVar's aggregate classification.
Comment: This variant is classified as likely benign based on ACMG/AMP sequence variant interpretation guidelines (Richards et al. 2015 PMID: 25741868, with internal and published modifications).